The following is an entry in ClinVar:

ClinVar aggregate classification (germline): Benign (0 of 4 stars; one submission).

Conditions:
DNMBP-related disorder. Also called: DNMBP-related condition.

Allele frequency attached by ClinVar (database versions not stated): ESP Exome Variant Server 0.00761; gnomAD exomes 0.02027; TOPMed 0.02538; gnomAD 0.02613; ExAC 0.04267; 1000 Genomes Project 30x 0.06871; 1000 Genomes Project 0.07588.
gnomAD v4.1: 34,203 of 1,613,988 alleles (2.1%); highest among the groups gnomAD compares: East Asian, 30%; 2,533 homozygotes.

Submission:

PreventionGenetics, part of Exact Sciences
Classification: Benign for DNMBP-related condition. Last evaluated: 2019-04-01. Review status: no assertion criteria provided. Collection method: clinical testing. Allele origin: germline.
Comment: This variant is classified as benign based on ACMG/AMP sequence variant interpretation guidelines (Richards et al. 2015 PMID: 25741868, with internal and published modifications).

NM_015221.4(DNMBP):c.747C>T (p.Val249=)

Genes: DNMBP (dynamin binding protein; minus strand), DNMBP-AS1 (DNMBP antisense RNA 1; plus strand). Cytogenetic location: 10q24.2.
Variant type: single nucleotide variant.
Coding change: c.747C>T on transcript NM_015221.4 (MANE Select); coding-DNA position 747, C replaced by T.
Protein change: p.Val249=; no amino-acid change (valine 249 retained).
Molecular consequence: synonymous variant.
Genome position (GRCh38, 1-based): chr10:99,956,727, G>A on the plus strand (C>T on the coding strand, the complement: DNMBP is on the minus strand). VCF-style: chr10-99956727-G-A. GRCh37 (hg19) VCF-style: chr10-101716484-G-A.
Identifiers: ClinVar variation 3056139 (VCV003056139.2), dbSNP rs3750715, ClinGen allele CA5645329.
Genomic context (GRCh38, chr10:99,956,727, plus strand): 5'-TTTATCCCCGACCTCGAAATCCAGCTCATTTGGCTCCAGGGCTTGGAATCTGTACAGGGC[G>A]ACCCCATAGGTCCCTGGCTCCTCCTCATCCTCATCCGGCCCTATCTCTTCTTCTCCTACA-3'
Protein context (NP_056036.1, residues 239-259): EDEEEPGTYG[Val249=]ALYRFQALEP